The following is an entry in ClinVar:

ClinVar aggregate classification (germline): Uncertain significance (1 of 4 stars; one submission).

Submission:

Ambry Genetics
Classification: Uncertain significance. Last evaluated: 2025-05-02. Review status: criteria provided, single submitter. Criteria: Ambry Variant Classification Scheme 2023. Collection method: clinical testing. Allele origin: germline.
Comment: The p.E9A variant (also known as c.26A>C), located in coding exon 2 of the RECQL gene, results from an A to C substitution at nucleotide position 26. The glutamic acid at codon 9 is replaced by alanine, an amino acid with dissimilar properties. This amino acid position is conserved. In addition, the in silico prediction for this alteration is inconclusive. Since supporting evidence is limited at this time, the clinical significance of this alteration remains unclear.

NM_002907.4(RECQL):c.26A>C (p.Glu9Ala)

Gene: RECQL (RecQ like helicase; minus strand). Cytogenetic location: 12p12.1.
Variant type: single nucleotide variant.
Coding change: c.26A>C on transcript NM_002907.4 (MANE Select); coding-DNA position 26, A replaced by C.
Protein change: p.Glu9Ala; replaces glutamic acid 9 with alanine.
Molecular consequence: missense variant.
Genome position (GRCh38, 1-based): chr12:21,491,707, T>G on the plus strand (A>C on the coding strand, the complement: RECQL is on the minus strand). VCF-style: chr12-21491707-T-G. GRCh37 (hg19) VCF-style: chr12-21644641-T-G.
Other names: c.26A>C, p.Glu9Ala (NM_032941.3); short protein forms E9A.
Identifiers: ClinVar variation 2565575 (VCV002565575.3), dbSNP rs2540405995, ClinGen allele CA384134731.
Genomic context (GRCh38, chr12:21,491,707, plus strand): 5'-GTAAGTTCTTGAATTTGAATTTCTACTGCATGTAGCTCACTGGTTATAGAATCCAGTTCC[T>G]CAGTTAGAGCTATGGGAGGCAGCGCGGATACAATGATTAGACAGAGTAAATTACAACTTT-3'
Protein context (NP_002898.2, residues 1-19): MASVSALT[Glu9Ala]ELDSITSELH